The following is an entry in ClinVar:

ClinVar aggregate classification (germline): Uncertain significance (1 of 4 stars; one submission).

Conditions:
Idiopathic Pulmonary Fibrosis. Also called: Idiopathic fibrosing alveolitis, chronic form; idiopathic fibrosing alveolitis. Identifiers: Orphanet 2032, MedGen C1800706, MeSH D054990, MONDO:0800504.
Dyskeratosis congenita, autosomal dominant 2. Identifiers: MedGen C3151443, MONDO:0013521, OMIM 613989.

Submission:

Labcorp Genetics (formerly Invitae), Labcorp
Classification: Uncertain significance for Dyskeratosis congenita, autosomal dominant 2; Idiopathic Pulmonary Fibrosis. Last evaluated: 2023-04-20. Review status: criteria provided, single submitter. Criteria: Invitae Variant Classification Sherloc (09022015). Collection method: clinical testing. Allele origin: germline.
Comment: In summary, the available evidence is currently insufficient to determine the role of this variant in disease. Therefore, it has been classified as a Variant of Uncertain Significance. Algorithms developed to predict the effect of missense changes on protein structure and function output the following: SIFT: "Not Available"; PolyPhen-2: "Benign"; Align-GVGD: "Not Available". The asparagine amino acid residue is found in multiple mammalian species, which suggests that this missense change does not adversely affect protein function. This variant has not been reported in the literature in individuals affected with TERT-related conditions. This variant is not present in population databases (gnomAD no frequency). This sequence change replaces aspartic acid, which is acidic and polar, with asparagine, which is neutral and polar, at codon 788 of the TERT protein (p.Asp788Asn).

NM_198253.3(TERT):c.2362G>A (p.Asp788Asn)

Gene: TERT (telomerase reverse transcriptase; minus strand). Cytogenetic location: 5p15.33.
Variant type: single nucleotide variant.
Coding change: c.2362G>A on transcript NM_198253.3 (MANE Select); coding-DNA position 2362, G replaced by A.
Protein change: p.Asp788Asn; replaces aspartic acid 788 with asparagine.
Molecular consequence: missense variant.
Genome position (GRCh38, 1-based): chr5:1,272,205, C>T on the plus strand (G>A on the coding strand, the complement: TERT is on the minus strand). VCF-style: chr5-1272205-C-T. GRCh37 (hg19) VCF-style: chr5-1272320-C-T.
Other names: c.2362G>A, p.Asp788Asn (NM_001193376.3, NM_003219.1); short protein forms D788N.
Identifiers: ClinVar variation 2946916 (VCV002946916.3), dbSNP rs2478209419, ClinGen allele CA359076256.